The following is an entry in ClinVar:

NM_207312.3(TUBA3E):c.225C>T (p.Val75=)

Genes: MZT2B (mitotic spindle organizing protein 2B; plus strand), TUBA3E (tubulin alpha 3e; minus strand). Cytogenetic location: 2q21.1.
Variant type: single nucleotide variant.
Coding change: c.225C>T on transcript NM_207312.3 (MANE Select); coding-DNA position 225, C replaced by T.
Protein change: p.Val75=; no amino-acid change (valine 75 retained).
Molecular consequence: synonymous variant.
Genome position (GRCh38, 1-based): chr2:130,196,150, G>A on the plus strand (C>T on the coding strand, the complement: TUBA3E is on the minus strand). VCF-style: chr2-130196150-G-A. GRCh37 (hg19) VCF-style: chr2-130953723-G-A.
Identifiers: ClinVar variation 506876 (VCV000506876.1), dbSNP rs374503891, ClinGen allele CA1871089.

ClinVar aggregate classification (germline): Likely benign (1 of 4 stars; one submission).

Allele frequency attached by ClinVar (database versions not stated): ESP Exome Variant Server 0.00008; gnomAD exomes 0.00008 and 0.00021; gnomAD 0.00011 and 0.00013; TOPMed 0.00014; ExAC 0.00031.
gnomAD v4.1: 143 of 1,611,934 alleles (0.0089%); highest among the groups gnomAD compares: East Asian, 0.16%; no homozygotes.

Submission:

GeneDx
Classification: Likely benign. Last evaluated: 2017-01-23. Review status: criteria provided, single submitter. Criteria: GeneDx Variant Classification (06012015). Collection method: clinical testing. Allele origin: germline. Affected: yes.
Comment: This variant is considered likely benign or benign based on one or more of the following criteria: it is a conservative change, it occurs at a poorly conserved position in the protein, it is predicted to be benign by multiple in silico algorithms, and/or has population frequency not consistent with disease.